The following is an entry in ClinVar:

ClinVar aggregate classification (germline): Uncertain significance (1 of 4 stars; one submission).

Conditions:
Nemaline myopathy 2 (NEM2). Also called: Nemaline myopathy 2, autosomal recessive. Identifiers: MedGen C1850569, MONDO:0009725, OMIM 256030.

Submission:

Labcorp Genetics (formerly Invitae), Labcorp
Classification: Uncertain significance for Nemaline myopathy 2. Last evaluated: 2023-07-17. Review status: criteria provided, single submitter. Criteria: Invitae Variant Classification Sherloc (09022015). Collection method: clinical testing. Allele origin: germline.
Comment: In summary, the available evidence is currently insufficient to determine the role of this variant in disease. Therefore, it has been classified as a Variant of Uncertain Significance. Experimental studies and prediction algorithms are not available or were not evaluated, and the functional significance of this variant is currently unknown. ClinVar contains an entry for this variant (Variation ID: 574757). This variant has not been reported in the literature in individuals affected with NEB-related conditions. This variant is not present in population databases (gnomAD no frequency). This sequence change replaces asparagine, which is neutral and polar, with serine, which is neutral and polar, at codon 2108 of the NEB protein (p.Asn2108Ser).

NM_001164508.2(NEB):c.6323A>G (p.Asn2108Ser)

Gene: NEB (nebulin; minus strand). Cytogenetic location: 2q23.3.
Variant type: single nucleotide variant.
Coding change: c.6323A>G on transcript NM_001164508.2 (MANE Select); coding-DNA position 6323, A replaced by G.
Protein change: p.Asn2108Ser; replaces asparagine 2108 with serine.
Molecular consequence: missense variant.
Genome position (GRCh38, 1-based): chr2:151,656,325, T>C on the plus strand (A>G on the coding strand, the complement: NEB is on the minus strand). VCF-style: chr2-151656325-T-C. GRCh37 (hg19) VCF-style: chr2-152512839-T-C.
Other names: c.6323A>G, p.Asn2108Ser (NM_001164507.2, NM_001271208.2, NM_004543.5); short protein forms N2108S.
Identifiers: ClinVar variation 574757 (VCV000574757.8), dbSNP rs1558891493, ClinGen allele CA348799522.